The following is an entry in ClinVar:

ClinVar aggregate classification (germline): Benign. Review status: criteria provided, multiple submitters, no conflicts (2 of 4 stars). 3 submissions from 3 submitters: Benign (3). Last evaluated 2026-02-03.

Allele frequency attached by ClinVar (database versions not stated): 1000 Genomes Project 0.07428; 1000 Genomes Project 30x 0.07448; TOPMed 0.11874; gnomAD 0.13280; ESP Exome Variant Server 0.13740.
gnomAD v4.1: 268,595 of 1,611,636 alleles (17%); highest among the groups gnomAD compares: Non-Finnish European, 19%; 24,663 homozygotes.

Submissions (35):

Labcorp Genetics (formerly Invitae), Labcorp
Classification: Benign. Last evaluated: 2026-02-03. Review status: criteria provided, single submitter. Criteria: Invitae Variant Classification Sherloc (09022015). Collection method: clinical testing. Allele origin: germline.

Mayo Clinic Laboratories, Mayo Clinic
Classification: Benign. Last evaluated: 2022-10-27. Review status: criteria provided, single submitter. Criteria: ACMG Guidelines, 2015. Collection method: clinical testing. Allele origin: germline. Observed: 289 variant alleles.

GeneDx
Classification: Benign. Last evaluated: 2016-01-24. Review status: criteria provided, single submitter. Criteria: GeneDx Variant Classification (06012015). Collection method: clinical testing. Allele origin: germline. Affected: yes.
Comment: This variant is considered likely benign or benign based on one or more of the following criteria: it is a conservative change, it occurs at a poorly conserved position in the protein, it is predicted to be benign by multiple in silico algorithms, and/or has population frequency not consistent with disease.

Dr. Peter K. Rogan Lab, Western University
No classification provided (evidence only). Condition: Colorectal cancer. Review status: no classification provided. Collection method: in vitro. Allele origin: not applicable. Functional consequence: retained intron. Not counted in ClinVar's aggregate classification.

Dr. Peter K. Rogan Lab, Western University
No classification provided (evidence only). Condition: Colorectal cancer. Review status: no classification provided. Collection method: in vitro. Allele origin: not applicable. Functional consequence: retained intron. Not counted in ClinVar's aggregate classification.

Dr. Peter K. Rogan Lab, Western University
No classification provided (evidence only). Condition: Colorectal cancer. Review status: no classification provided. Collection method: in vitro. Allele origin: not applicable. Functional consequence: retained intron. Not counted in ClinVar's aggregate classification.

Dr. Peter K. Rogan Lab, Western University
No classification provided (evidence only). Condition: Colorectal cancer. Review status: no classification provided. Collection method: in vitro. Allele origin: not applicable. Functional consequence: retained intron. Not counted in ClinVar's aggregate classification.

Dr. Peter K. Rogan Lab, Western University
No classification provided (evidence only). Condition: Colorectal cancer. Review status: no classification provided. Collection method: in vitro. Allele origin: not applicable. Functional consequence: retained intron. Not counted in ClinVar's aggregate classification.

Dr. Peter K. Rogan Lab, Western University
No classification provided (evidence only). Condition: Colorectal cancer. Review status: no classification provided. Collection method: in vitro. Allele origin: not applicable. Functional consequence: retained intron. Not counted in ClinVar's aggregate classification.

Dr. Peter K. Rogan Lab, Western University
No classification provided (evidence only). Condition: Colorectal cancer. Review status: no classification provided. Collection method: in vitro. Allele origin: not applicable. Functional consequence: retained intron. Not counted in ClinVar's aggregate classification.

Dr. Peter K. Rogan Lab, Western University
No classification provided (evidence only). Condition: Colorectal cancer. Review status: no classification provided. Collection method: in vitro. Allele origin: not applicable. Functional consequence: retained intron. Not counted in ClinVar's aggregate classification.

Dr. Peter K. Rogan Lab, Western University
No classification provided (evidence only). Condition: Colorectal cancer. Review status: no classification provided. Collection method: in vitro. Allele origin: not applicable. Functional consequence: retained intron. Not counted in ClinVar's aggregate classification.

Dr. Peter K. Rogan Lab, Western University
No classification provided (evidence only). Condition: Colorectal cancer. Review status: no classification provided. Collection method: in vitro. Allele origin: not applicable. Functional consequence: retained intron. Not counted in ClinVar's aggregate classification.

Dr. Peter K. Rogan Lab, Western University
No classification provided (evidence only). Condition: Colorectal cancer. Review status: no classification provided. Collection method: in vitro. Allele origin: not applicable. Functional consequence: retained intron. Not counted in ClinVar's aggregate classification.

Dr. Peter K. Rogan Lab, Western University
No classification provided (evidence only). Condition: Colorectal cancer. Review status: no classification provided. Collection method: in vitro. Allele origin: not applicable. Functional consequence: retained intron. Not counted in ClinVar's aggregate classification.

Dr. Peter K. Rogan Lab, Western University
No classification provided (evidence only). Condition: Colorectal cancer. Review status: no classification provided. Collection method: in vitro. Allele origin: not applicable. Functional consequence: retained intron. Not counted in ClinVar's aggregate classification.

Dr. Peter K. Rogan Lab, Western University
No classification provided (evidence only). Condition: Malignant lymphoma, large B-cell, diffuse. Review status: no classification provided. Collection method: in vitro. Allele origin: not applicable. Functional consequence: retained intron. Not counted in ClinVar's aggregate classification.

Dr. Peter K. Rogan Lab, Western University
No classification provided (evidence only). Condition: Malignant lymphoma, large B-cell, diffuse. Review status: no classification provided. Collection method: in vitro. Allele origin: not applicable. Functional consequence: retained intron. Not counted in ClinVar's aggregate classification.

Dr. Peter K. Rogan Lab, Western University
No classification provided (evidence only). Condition: Malignant lymphoma, large B-cell, diffuse. Review status: no classification provided. Collection method: in vitro. Allele origin: not applicable. Functional consequence: retained intron. Not counted in ClinVar's aggregate classification.

Dr. Peter K. Rogan Lab, Western University
No classification provided (evidence only). Condition: Malignant lymphoma, large B-cell, diffuse. Review status: no classification provided. Collection method: in vitro. Allele origin: not applicable. Functional consequence: retained intron. Not counted in ClinVar's aggregate classification.

Dr. Peter K. Rogan Lab, Western University
No classification provided (evidence only). Condition: Malignant lymphoma, large B-cell, diffuse. Review status: no classification provided. Collection method: in vitro. Allele origin: not applicable. Functional consequence: retained intron. Not counted in ClinVar's aggregate classification.

Dr. Peter K. Rogan Lab, Western University
No classification provided (evidence only). Condition: Pancreatic adenocarcinoma. Review status: no classification provided. Collection method: in vitro. Allele origin: not applicable. Functional consequence: retained intron. Not counted in ClinVar's aggregate classification.

Dr. Peter K. Rogan Lab, Western University
No classification provided (evidence only). Condition: Cholangiocarcinoma. Review status: no classification provided. Collection method: in vitro. Allele origin: not applicable. Functional consequence: retained intron. Not counted in ClinVar's aggregate classification.

Dr. Peter K. Rogan Lab, Western University
No classification provided (evidence only). Condition: Cholangiocarcinoma. Review status: no classification provided. Collection method: in vitro. Allele origin: not applicable. Functional consequence: retained intron. Not counted in ClinVar's aggregate classification.

Dr. Peter K. Rogan Lab, Western University
No classification provided (evidence only). Condition: Cholangiocarcinoma. Review status: no classification provided. Collection method: in vitro. Allele origin: not applicable. Functional consequence: retained intron. Not counted in ClinVar's aggregate classification.

Dr. Peter K. Rogan Lab, Western University
No classification provided (evidence only). Condition: Cholangiocarcinoma. Review status: no classification provided. Collection method: in vitro. Allele origin: not applicable. Functional consequence: retained intron. Not counted in ClinVar's aggregate classification.

Dr. Peter K. Rogan Lab, Western University
No classification provided (evidence only). Condition: Cholangiocarcinoma. Review status: no classification provided. Collection method: in vitro. Allele origin: not applicable. Functional consequence: retained intron. Not counted in ClinVar's aggregate classification.

Dr. Peter K. Rogan Lab, Western University
No classification provided (evidence only). Condition: Cholangiocarcinoma. Review status: no classification provided. Collection method: in vitro. Allele origin: not applicable. Functional consequence: retained intron. Not counted in ClinVar's aggregate classification.

Dr. Peter K. Rogan Lab, Western University
No classification provided (evidence only). Condition: Cholangiocarcinoma. Review status: no classification provided. Collection method: in vitro. Allele origin: not applicable. Functional consequence: retained intron. Not counted in ClinVar's aggregate classification.

Dr. Peter K. Rogan Lab, Western University
No classification provided (evidence only). Condition: Cholangiocarcinoma. Review status: no classification provided. Collection method: in vitro. Allele origin: not applicable. Functional consequence: retained intron. Not counted in ClinVar's aggregate classification.

Dr. Peter K. Rogan Lab, Western University
No classification provided (evidence only). Condition: Uterine carcinosarcoma. Review status: no classification provided. Collection method: in vitro. Allele origin: not applicable. Functional consequence: retained intron. Not counted in ClinVar's aggregate classification.

Dr. Peter K. Rogan Lab, Western University
No classification provided (evidence only). Condition: Uterine carcinosarcoma. Review status: no classification provided. Collection method: in vitro. Allele origin: not applicable. Functional consequence: retained intron. Not counted in ClinVar's aggregate classification.

Dr. Peter K. Rogan Lab, Western University
No classification provided (evidence only). Condition: Uterine carcinosarcoma. Review status: no classification provided. Collection method: in vitro. Allele origin: not applicable. Functional consequence: retained intron. Not counted in ClinVar's aggregate classification.

Dr. Peter K. Rogan Lab, Western University
No classification provided (evidence only). Condition: Uterine carcinosarcoma. Review status: no classification provided. Collection method: in vitro. Allele origin: not applicable. Functional consequence: retained intron. Not counted in ClinVar's aggregate classification.

Dr. Peter K. Rogan Lab, Western University
No classification provided (evidence only). Condition: Uterine carcinosarcoma. Review status: no classification provided. Collection method: in vitro. Allele origin: not applicable. Functional consequence: retained intron. Not counted in ClinVar's aggregate classification.

NM_002887.4(RARS1):c.342G>A (p.Gln114=)

Gene: RARS1 (arginyl-tRNA synthetase 1; plus strand). Cytogenetic location: 5q34.
Variant type: single nucleotide variant.
Coding change: c.342G>A on transcript NM_002887.4 (MANE Select); coding-DNA position 342, G replaced by A.
Protein change: p.Gln114=; no amino-acid change (glutamine 114 retained).
Molecular consequence: synonymous variant.
Genome position (GRCh38, 1-based): chr5:168,492,820, G>A. VCF-style: chr5-168492820-G-A. GRCh37 (hg19) VCF-style: chr5-167919825-G-A.
Other names: p.Gln114=.
Identifiers: ClinVar variation 380051 (VCV000380051.12), dbSNP rs2305728, ClinGen allele CA3549572.